The following is an entry in ClinVar:

NM_022051.3(EGLN1):c.354C>T (p.Ala118=)

Gene: EGLN1 (egl-9 family hypoxia inducible factor 1; minus strand). Cytogenetic location: 1q42.2.
Variant type: single nucleotide variant.
Coding change: c.354C>T on transcript NM_022051.3 (MANE Select); coding-DNA position 354, C replaced by T.
Protein change: p.Ala118=; no amino-acid change (alanine 118 retained).
Molecular consequence: synonymous variant.
Genome position (GRCh38, 1-based): chr1:231,421,535, G>A on the plus strand (C>T on the coding strand, the complement: EGLN1 is on the minus strand). VCF-style: chr1-231421535-G-A. GRCh37 (hg19) VCF-style: chr1-231557281-G-A.
Other names: c.354C>T, p.Ala118= (NM_001377260.1, NM_001377261.1).
Identifiers: ClinVar variation 697937 (VCV000697937.32), dbSNP rs1370030808, ClinGen allele CA424040952.

ClinVar aggregate classification (germline): Benign/Likely benign. Review status: criteria provided, multiple submitters, no conflicts (2 of 4 stars). 3 submissions from 3 submitters: Benign (1); Likely benign (2). Last evaluated 2025-12-16.

Conditions:
Erythrocytosis, familial, 3 (ECYT3). Identifiers: Orphanet 247511, MedGen C1853286, MONDO:0012353, OMIM 609820.

Allele frequency attached by ClinVar (database versions not stated): TOPMed 0.00009; gnomAD 0.00016.
gnomAD v4.1: 13 of 1,296,498 alleles (0.001%); highest among the groups gnomAD compares: East Asian, 0.029%; no homozygotes.

Submissions (3):

Labcorp Genetics (formerly Invitae), Labcorp
Classification: Benign for Erythrocytosis, familial, 3. Last evaluated: 2025-12-16. Review status: criteria provided, single submitter. Criteria: Invitae Variant Classification Sherloc (09022015). Collection method: clinical testing. Allele origin: germline.

CeGaT Center for Human Genetics Tuebingen
Classification: Likely benign. Last evaluated: 2023-03-01. Review status: criteria provided, single submitter. Criteria: CeGaT Center For Human Genetics Tuebingen Variant Classification Criteria Version 2. Collection method: clinical testing. Allele origin: germline. Affected: yes. Observed: 1 variant allele.
Comment: EGLN1: BP4, BP7

Ambry Genetics
Classification: Likely benign. Last evaluated: 2022-02-24. Review status: criteria provided, single submitter. Criteria: Ambry Variant Classification Scheme 2023. Collection method: clinical testing. Allele origin: germline.